The following is an entry in ClinVar:

ClinVar aggregate classification (germline): Uncertain significance (1 of 4 stars; one submission).

Submission:

Labcorp Genetics (formerly Invitae), Labcorp
Classification: Uncertain significance. Last evaluated: 2025-06-17. Review status: criteria provided, single submitter. Criteria: Invitae Variant Classification Sherloc (09022015). Collection method: clinical testing. Allele origin: germline.
Comment: This sequence change replaces serine, which is neutral and polar, with arginine, which is basic and polar, at codon 305 of the NR3C1 protein (p.Ser305Arg). This variant is not present in population databases (gnomAD no frequency). This variant has not been reported in the literature in individuals affected with NR3C1-related conditions. An algorithm developed to predict the effect of missense changes on protein structure and function (PolyPhen-2) suggests that this variant is likely to be tolerated. In summary, the available evidence is currently insufficient to determine the role of this variant in disease. Therefore, it has been classified as a Variant of Uncertain Significance.

NM_000176.3(NR3C1):c.915C>G (p.Ser305Arg)

Gene: NR3C1 (nuclear receptor subfamily 3 group C member 1; minus strand). Cytogenetic location: 5q31.3.
Variant type: single nucleotide variant.
Coding change: c.915C>G on transcript NM_000176.3 (MANE Select); coding-DNA position 915, C replaced by G.
Protein change: p.Ser305Arg; replaces serine 305 with arginine.
Molecular consequence: missense variant. On other transcripts: 5 prime UTR variant (3).
Genome position (GRCh38, 1-based): chr5:143,399,925, G>C on the plus strand (C>G on the coding strand, the complement: NR3C1 is on the minus strand). VCF-style: chr5-143399925-G-C. GRCh37 (hg19) VCF-style: chr5-142779490-G-C.
Other names: c.915C>G, p.Ser305Arg (NM_001018075.1, NM_001018076.2, NM_001018077.1 and 10 more transcripts); c.837C>G, p.Ser279Arg (NM_001204258.2); c.660C>G, p.Ser220Arg (NM_001204259.2); c.648C>G, p.Ser216Arg (NM_001204260.2); c.624C>G, p.Ser208Arg (NM_001204261.2); c.-31C>G (NM_001204262.2); c.-76C>G (NM_001204263.2); c.-91C>G (NM_001204264.2); short protein forms S216R, S305R, S208R, S220R, S279R.
Identifiers: ClinVar variation 4770951 (VCV004770951.1).
Genomic context (GRCh38, chr5:143,399,925, plus strand): 5'-ACTCACACCATGAACAGAAATGGCAGACATTTTATTACCAATTATATTTGCTCCAGGAAA[G>C]CTTGCCTGACAGTAAACTGTGCCCAGTTTCTCTTGCTTAATTACCCCAGGGGTGCAGAGT-3'
Protein context (NP_000167.1, residues 295-315): EKLGTVYCQA[Ser305Arg]FPGANIIGNK